The following is an entry in ClinVar:

NM_000038.6(APC):c.1718del (p.Met573fs)

Gene: APC (APC regulator of Wnt signaling pathway; plus strand). Cytogenetic location: 5q22.2.
Variant type: Deletion.
Coding change: c.1718del on transcript NM_000038.6 (MANE Select); coding-DNA position 1718, one base deleted (T; older notation c.1718delT).
Protein change: p.Met573fs; shifts the reading frame from methionine 573.
Molecular consequence: frameshift variant.
Genome position (GRCh38, 1-based): chr5:112,828,947, T deleted. VCF-style (leftmost placement, unchanged base first): chr5-112828946-AT-A. GRCh37 (hg19) VCF-style: chr5-112164643-AT-A.
Other names: c.1718del (NM_000038.5); c.1718del, p.Met573fs (NM_001127510.3, NM_001354895.2, NM_001407450.1); c.1664del, p.Met555fs (NM_001127511.3); c.1772del, p.Met591fs (NM_001354896.2, NM_001407447.1, NM_001407448.1 and 1 more transcripts); c.1748del, p.Met583fs (NM_001354897.2); c.1643del, p.Met548fs (NM_001354898.2); c.1634del, p.Met545fs (NM_001354899.2); c.1595del, p.Met532fs (NM_001354900.2); and 12 more; short protein forms M189fs, M290fs, M413fs, M444fs, M447fs, M472fs, M482fs, M490fs.
Identifiers: ClinVar variation 2583961 (VCV002583961.6), dbSNP rs2533246532, ClinGen allele CA2582341400.

ClinVar aggregate classification (germline): Pathogenic. Review status: criteria provided, multiple submitters, no conflicts (2 of 4 stars). 3 submissions from 3 submitters: Pathogenic (3). Last evaluated 2024-12-26.

Conditions:
Familial adenomatous polyposis 1 (FAP1). Also called: FAMILIAL ADENOMATOUS POLYPOSIS 1, ATTENUATED; POLYPOSIS, ADENOMATOUS INTESTINAL. Identifiers: MedGen C2713442, MONDO:0021056, OMIM 175100. Disease mechanism: loss of function.

Submissions (3):

Quest Diagnostics Nichols Institute San Juan Capistrano
Classification: Pathogenic. Last evaluated: 2024-12-26. Review status: criteria provided, single submitter. Criteria: Quest Diagnostics criteria. Collection method: clinical testing. Allele origin: unknown.
Comment: The APC c.1718del (p.Met573Argfs*5) variant alters the translational reading frame of the APC mRNA and causes the premature termination of APC protein synthesis. This variant has not been reported in individuals with APC-related conditions in the published literature. This variant has not been reported in large, multi-ethnic general populations (Genome Aggregation Database). Based on the available information, this variant is classified as pathogenic.

Myriad Genetics, Inc.
Classification: Pathogenic for Familial adenomatous polyposis 1. Last evaluated: 2023-05-02. Review status: criteria provided, single submitter. Criteria: Myriad Autosomal Dominant, Autosomal Recessive and X-Linked Classification Criteria (2023). Collection method: clinical testing. Allele origin: unknown.
Comment: This variant is considered pathogenic. This variant creates a frameshift predicted to result in premature protein truncation.

Labcorp Genetics (formerly Invitae), Labcorp
Classification: Pathogenic for Familial adenomatous polyposis 1. Last evaluated: 2022-11-09. Review status: criteria provided, single submitter. Criteria: Invitae Variant Classification Sherloc (09022015). Collection method: clinical testing. Allele origin: germline.
Comment: This variant is not present in population databases (gnomAD no frequency). This sequence change creates a premature translational stop signal (p.Met573Argfs*5) in the APC gene. It is expected to result in an absent or disrupted protein product. Loss-of-function variants in APC are known to be pathogenic (PMID: 17963004, 20685668). This variant has not been reported in the literature in individuals affected with APC-related conditions. For these reasons, this variant has been classified as Pathogenic.

Literature cited by the submitters: PubMed 17963004 (cited by Labcorp Genetics (formerly Invitae), Labcorp); PubMed 20685668 (cited by Labcorp Genetics (formerly Invitae), Labcorp).